The following is an entry in ClinVar:

ClinVar aggregate classification (germline): Uncertain significance. Review status: criteria provided, multiple submitters, no conflicts (2 of 4 stars). 2 submissions from 2 submitters: Uncertain significance (2). Last evaluated 2025-07-04.

Conditions:
Hereditary cancer-predisposing syndrome. Also called: Hereditary neoplastic syndrome; Tumor predisposition; Neoplastic Syndromes, Hereditary; Hereditary Cancer Syndrome. Identifiers: Orphanet 140162, MedGen C0027672, MeSH D009386, MONDO:0015356.
Breast-ovarian cancer, familial, susceptibility to, 4. Identifiers: Orphanet 145, MedGen C3280345, MONDO:0013669, OMIM 614291.

Submissions (2):

Ambry Genetics
Classification: Uncertain significance for Hereditary cancer-predisposing syndrome. Last evaluated: 2025-07-04. Review status: criteria provided, single submitter. Criteria: Ambry Variant Classification Scheme 2023. Collection method: clinical testing. Allele origin: germline.
Comment: The p.D156A variant (also known as c.467A>C), located in coding exon 5 of the RAD51D gene, results from an A to C substitution at nucleotide position 467. The aspartic acid at codon 156 is replaced by alanine, an amino acid with dissimilar properties. This amino acid position is conserved. In addition, this alteration is predicted to be tolerated by in silico analysis. Based on the available evidence, the clinical significance of this variant remains unclear.

Labcorp Genetics (formerly Invitae), Labcorp
Classification: Uncertain significance for Breast-ovarian cancer, familial, susceptibility to, 4. Last evaluated: 2021-11-22. Review status: criteria provided, single submitter. Criteria: Invitae Variant Classification Sherloc (09022015). Collection method: clinical testing. Allele origin: germline.
Comment: In summary, the available evidence is currently insufficient to determine the role of this variant in disease. Therefore, it has been classified as a Variant of Uncertain Significance. Algorithms developed to predict the effect of missense changes on protein structure and function are either unavailable or do not agree on the potential impact of this missense change (SIFT: "Deleterious"; PolyPhen-2: "Benign"; Align-GVGD: "Class C0"). This variant has not been reported in the literature in individuals affected with RAD51D-related conditions. This variant is not present in population databases (gnomAD no frequency). This sequence change replaces aspartic acid, which is acidic and polar, with alanine, which is neutral and non-polar, at codon 156 of the RAD51D protein (p.Asp156Ala).

NM_002878.4(RAD51D):c.467A>C (p.Asp156Ala)

Genes: RAD51D (RAD51 paralog D; minus strand), RAD51L3-RFFL (RAD51L3-RFFL readthrough; minus strand). Cytogenetic location: 17q12.
Variant type: single nucleotide variant.
Coding change: c.467A>C on transcript NM_002878.4 (MANE Select); coding-DNA position 467, A replaced by C.
Protein change: p.Asp156Ala; replaces aspartic acid 156 with alanine.
Molecular consequence: missense variant. On other transcripts: non-coding transcript variant (1), intron variant (1).
Genome position (GRCh38, 1-based): chr17:35,107,001, T>G on the plus strand (A>C on the coding strand, the complement: RAD51D is on the minus strand). VCF-style: chr17-35107001-T-G. GRCh37 (hg19) VCF-style: chr17-33434020-T-G.
Other names: c.467A>C (NM_002878.3); c.527A>C, p.Asp176Ala (NM_001142571.2); c.145-520A>C (NM_133629.3); short protein forms D156A, D176A.
Identifiers: ClinVar variation 1503928 (VCV001503928.6), dbSNP rs2091612637, ClinGen allele CA399089171.